The following is an entry in ClinVar:

NC_000009.11:g.(?_98229388)_(98229717_?)del

Gene: PTCH1 (patched 1; minus strand). Cytogenetic location: 9q22.32.
Variant type: Deletion.
Identifiers: ClinVar variation 3245044 (VCV003245044.1).

ClinVar aggregate classification (germline): Pathogenic (1 of 4 stars; one submission).

Conditions:
Gorlin syndrome. Also called: Basal cell nevus syndrome; Nevoid Basal Cell Carcinoma Syndrome. Identifiers: Orphanet 377, MedGen C0004779, MONDO:0007187.

Submission:

Labcorp Genetics (formerly Invitae), Labcorp
Classification: Pathogenic for Gorlin syndrome. Last evaluated: 2023-06-09. Review status: criteria provided, single submitter. Criteria: Invitae Variant Classification Sherloc (09022015). Collection method: clinical testing. Allele origin: unknown.
Comment: For these reasons, this variant has been classified as Pathogenic. This variant has not been reported in the literature in individuals affected with PTCH1-related conditions. This variant is a gross deletion of the genomic region encompassing exon(s) 15 of the PTCH1 gene. This deletion is out-of-frame, and is expected to create a premature termination codon and result in an absent or disrupted protein product. Loss-of-function variants in PTCH1 are known to be pathogenic (PMID: 16301862, 16419085).

Literature cited by the submitters: PubMed 16301862; PubMed 16419085.